The following is an entry in ClinVar:

ClinVar aggregate classification (germline): Uncertain significance (1 of 4 stars; one submission).

Conditions:
Cardiovascular phenotype. Identifiers: MedGen CN230736.

Submission:

Ambry Genetics
Classification: Uncertain significance for Cardiovascular phenotype. Last evaluated: 2026-08-13. Review status: criteria provided, single submitter. Criteria: Ambry Variant Classification Scheme 2023. Collection method: clinical testing. Allele origin: germline.
Comment: The c.750+3_750+6delGAGT intronic variant, located in intron 7 of the ANKRD1 gene, results from a deletion of 4 nucleotides within intron 7 of the ANKRD1 gene. These nucleotide positions are well conserved in available vertebrate species. In silico splice site analysis predicts that this alteration will weaken the native splice donor site. The evidence for this gene-disease relationship is limited; therefore, the clinical significance of this variant is unclear.

NM_014391.3(ANKRD1):c.750+3_750+6del

Gene: ANKRD1 (ankyrin repeat domain 1; minus strand). Cytogenetic location: 10q23.31.
Variant type: Microsatellite.
Coding change: c.750+3_750+6del on transcript NM_014391.3 (MANE Select); bases 3 to 6 of the intron after coding-DNA position 750, 4 bases deleted (GAGT; older notation c.750+3_750+6delGAGT).
Molecular consequence: splice donor variant.
Genome position (GRCh38, 1-based): chr10:90,915,776-90,915,779, ACTC deleted on the plus strand (GAGT on the coding strand, the reverse complement: ANKRD1 is on the minus strand); deleting any 4 consecutive bases within chr10:90,915,776-90,915,783 gives the same sequence; the c. name uses the placement nearest the transcript's 3' end. VCF-style (leftmost placement, unchanged base first): chr10-90915775-TACTC-T. GRCh37 (hg19) VCF-style: chr10-92675532-TACTC-T.
Identifiers: ClinVar variation 1759213 (VCV001759213.3), dbSNP rs2492955606, ClinGen allele CA2580615567.